The following is an entry in ClinVar:

NC_000009.11:g.(?_135771622)_(135804259_?)dup

Gene: TSC1 (TSC complex subunit 1; minus strand). Cytogenetic location: 9q34.13.
Variant type: Duplication.
Identifiers: ClinVar variation 534522 (VCV000534522.2).

ClinVar aggregate classification (germline): Uncertain significance (1 of 4 stars; one submission).

Conditions:
Tuberous sclerosis 1 (TSC1). Identifiers: Orphanet 805, MedGen C1854465, MONDO:0008612, OMIM 191100.

Submission:

Labcorp Genetics (formerly Invitae), Labcorp
Classification: Uncertain significance for Tuberous sclerosis 1. Last evaluated: 2017-10-09. Review status: criteria provided, single submitter. Criteria: Invitae Variant Classification Sherloc (09022015). Collection method: clinical testing. Allele origin: germline.
Comment: A gross duplication of the genomic region encompassing the full coding sequence of the TSC1 gene has been identified. The boundaries of this event are unknown as the duplication extends beyond the assayed region for this gene and therefore may encompass additional genes. As the precise location of this duplication is unknown, it may be in tandem or it may be located elsewhere in the genome. This variant has not been reported in the literature in individuals with TSC1-related disease. In summary, the available evidence is currently insufficient to determine the role of this variant in disease. Therefore, it has been classified as a Variant of Uncertain Significance.